The following is an entry in ClinVar:

ClinVar aggregate classification (germline): Uncertain significance (1 of 4 stars; one submission).

Conditions:
Intellectual developmental disorder with dysmorphic facies and behavioral abnormalities. Identifiers: MedGen C4748135, MONDO:0060760, OMIM 618089.

Submission:

Victorian Clinical Genetics Services, Murdoch Childrens Research Institute
Classification: Uncertain significance for Intellectual developmental disorder with dysmorphic facies and behavioral abnormalities. Last evaluated: 2025-04-16. Review status: criteria provided, single submitter. Criteria: ACMG Guidelines, 2015. Collection method: clinical testing. Allele origin: germline. Affected: yes.
Comment: This variant is classified as VUS-3A. Evidence in support of pathogenic classification: Variant is absent from gnomAD (v2, v3 and v4); Another missense variant comparable to the one identified in this case has limited previous evidence for pathogenicity. p.(Asn702Ile) has been classified as likely pathogenic by a clinical laboratory in ClinVar; Missense variant predicted to be damaging by in silico tool(s) or highly conserved with a major amino acid change. Additional information: Variant is predicted to result in a missense amino acid change from asparagine to serine; This variant is heterozygous; This gene is associated with autosomal dominant disease; Alternative amino acid change(s) at the same position are present in gnomAD (Highest allele count: v4: 1 heterozygote(s), 0 homozygote(s)); This variant has no previous evidence of pathogenicity; No published segregation evidence has been identified for this variant; No published functional evidence has been identified for this variant; Variant is located in the annotated right handed beta helix region (DECIPHER); Loss of function is a known mechanism of disease in this gene and is associated with intellectual developmental disorder with dysmorphic facies and behavioural abnormalities (MIM#618089); Variants in this gene are known to have variable expressivity. This condition displays variable severity in phenotypes (PMID: 30057029).

Literature cited by the submitters: PubMed 30057029.

NM_001190274.2(FBXO11):c.2105A>G (p.Asn702Ser)

Gene: FBXO11 (F-box protein 11; minus strand). Cytogenetic location: 2p16.3.
Variant type: single nucleotide variant.
Coding change: c.2105A>G on transcript NM_001190274.2 (MANE Select); coding-DNA position 2105, A replaced by G.
Protein change: p.Asn702Ser; replaces asparagine 702 with serine.
Molecular consequence: missense variant.
Genome position (GRCh38, 1-based): chr2:47,813,356, T>C on the plus strand (A>G on the coding strand, the complement: FBXO11 is on the minus strand). VCF-style: chr2-47813356-T-C. GRCh37 (hg19) VCF-style: chr2-48040495-T-C.
Other names: c.1853A>G, p.Asn618Ser (NM_001374325.1, NM_025133.4); short protein forms N618S, N702S.
Identifiers: ClinVar variation 4531862 (VCV004531862.1).
Genomic context (GRCh38, chr2:47,813,356, plus strand): 5'-AGTGTAGGATTACTATCTGTCTTAATCCAGACTCCAGCCATTGCATTGTCAAATATTTCA[T>C]TGTCTTCTATACAGCCTAGACCTATAAATGCAAAAATGTAGGTTATCTAGAAGGTATATT-3'
Protein context (NP_001177203.1, residues 692-712): YNSGLGCIED[Asn702Ser]EIFDNAMAGV